The following is an entry in ClinVar:

NM_017780.4(CHD7):c.1665+56C>T

Gene: CHD7 (chromodomain helicase DNA binding protein 7; plus strand). Cytogenetic location: 8q12.2.
Variant type: single nucleotide variant.
Coding change: c.1665+56C>T on transcript NM_017780.4 (MANE Select); 56 bases into the intron after coding-DNA position 1665, C replaced by T.
Molecular consequence: intron variant.
Genome position (GRCh38, 1-based): chr8:60,743,153, C>T. VCF-style: chr8-60743153-C-T. GRCh37 (hg19) VCF-style: chr8-61655712-C-T.
Other names: c.1665+56C>T (NM_001316690.1).
Identifiers: ClinVar variation 4891124 (VCV004891124.1).

ClinVar aggregate classification (germline): Uncertain significance (1 of 4 stars; one submission).

gnomAD v4.1: 1 of 1,449,530 alleles (0.000069%); highest among the groups gnomAD compares: Non-Finnish European, 0.000095%; no homozygotes.

Submission:

Greenwood Genetic Center Diagnostic Laboratories, Greenwood Genetic Center
Classification: Uncertain significance. Last evaluated: 2026-06-02. Review status: criteria provided, single submitter. Criteria: ACMG Guidelines, 2015. Collection method: clinical testing. Allele origin: germline.
Comment: PM2, BP4